The following is an entry in ClinVar:

ClinVar aggregate classification (germline): Uncertain significance (1 of 4 stars; one submission).

Submission:

GeneDx
Classification: Uncertain significance. Last evaluated: 2021-05-27. Review status: criteria provided, single submitter. Criteria: GeneDx Variant Classification Process June 2021. Collection method: clinical testing. Allele origin: germline. Affected: yes.
Comment: Not observed at significant frequency in large population cohorts (Lek et al., 2016); In silico analysis supports that this missense variant has a deleterious effect on protein structure/function; Has not been previously published as pathogenic or benign to our knowledge

NM_001353921.2(ARHGEF9):c.222C>A (p.Asn74Lys)

Gene: ARHGEF9 (Cdc42 guanine nucleotide exchange factor 9; minus strand). Cytogenetic location: Xq11.1.
Variant type: single nucleotide variant.
Coding change: c.222C>A on transcript NM_001353921.2 (MANE Select); coding-DNA position 222, C replaced by A.
Protein change: p.Asn74Lys; replaces asparagine 74 with lysine.
Molecular consequence: missense variant. On other transcripts: 5 prime UTR variant (3).
Genome position (GRCh38, 1-based): chrX:63,706,438, G>T on the plus strand (C>A on the coding strand, the complement: ARHGEF9 is on the minus strand). VCF-style: chrX-63706438-G-T. GRCh37 (hg19) VCF-style: chrX-62926318-G-T.
Other names: c.42C>A, p.Asn14Lys (NM_001173479.2); c.-106C>A (NM_001173480.2, NM_001369042.1); c.138C>A, p.Asn46Lys (NM_001330495.2, NM_001353927.2, NM_001369033.1 and 8 more transcripts); c.222C>A, p.Asn74Lys (NM_001353922.2); c.240C>A, p.Asn80Lys (NM_001353923.1); c.21C>A, p.Asn7Lys (NM_001353924.2, NM_001353926.2, NM_001369039.1 and 1 more transcripts); c.201C>A, p.Asn67Lys (NM_001353928.2, NM_001369030.1, NM_001369031.1 and 2 more transcripts); c.-482C>A (NM_001369045.1); short protein forms N14K, N46K, N67K, N74K, N7K, N80K.
Identifiers: ClinVar variation 1326580 (VCV001326580.2), dbSNP rs2147508871, ClinGen allele CA413402513.